The following is an entry in ClinVar:

NM_000081.4(LYST):c.2443C>T (p.His815Tyr)

Gene: LYST (lysosomal trafficking regulator; minus strand). Cytogenetic location: 1q42.3.
Variant type: single nucleotide variant.
Coding change: c.2443C>T on transcript NM_000081.4 (MANE Select); coding-DNA position 2443, C replaced by T.
Protein change: p.His815Tyr; replaces histidine 815 with tyrosine.
Molecular consequence: missense variant.
Genome position (GRCh38, 1-based): chr1:235,806,693, G>A on the plus strand (C>T on the coding strand, the complement: LYST is on the minus strand). VCF-style: chr1-235806693-G-A. GRCh37 (hg19) VCF-style: chr1-235969993-G-A.
Other names: c.2443C>T (NM_000081.2); c.2443C>T, p.His815Tyr (NM_001301365.1); short protein forms H815Y.
Identifiers: ClinVar variation 525174 (VCV000525174.9), dbSNP rs141764855, ClinGen allele CA1467275.

ClinVar aggregate classification (germline): Conflicting classifications of pathogenicity. Review status: criteria provided, conflicting classifications (1 of 4 stars). 4 submissions from 4 submitters: Uncertain significance (3); Likely benign (1). Last evaluated 2025-07-30.

Conditions:
Inborn genetic diseases. Identifiers: MedGen C0950123, MeSH D030342.
Chédiak-Higashi syndrome (CHS). Also called: Chediak-Higashi Syndrome. Identifiers: Orphanet 167, MedGen C0007965, MONDO:0008963, OMIM 214500.

Allele frequency attached by ClinVar (database versions not stated): gnomAD exomes 0.00003; ExAC 0.00015; gnomAD 0.00041; TOPMed 0.00045; 1000 Genomes Project 30x 0.00047; 1000 Genomes Project 0.00060; ESP Exome Variant Server 0.00062.
gnomAD v4.1: 107 of 1,613,124 alleles (0.0066%); highest among the groups gnomAD compares: African/African-American, 0.13%; no homozygotes.

Submissions (4):

GeneDx
Classification: Uncertain significance. Last evaluated: 2025-07-30. Review status: criteria provided, single submitter. Criteria: GeneDx Variant Classification Process June 2021. Collection method: clinical testing. Allele origin: germline. Affected: yes.
Comment: In silico analysis suggests that this missense variant does not alter protein structure/function; Has not been previously published as pathogenic or benign to our knowledge

Labcorp Genetics (formerly Invitae), Labcorp
Classification: Uncertain significance for Chédiak-Higashi syndrome. Last evaluated: 2025-02-03. Review status: criteria provided, single submitter. Criteria: Invitae Variant Classification Sherloc (09022015). Collection method: clinical testing. Allele origin: germline.
Comment: This sequence change replaces histidine, which is basic and polar, with tyrosine, which is neutral and polar, at codon 815 of the LYST protein (p.His815Tyr). This variant is present in population databases (rs141764855, gnomAD 0.1%). This variant has not been reported in the literature in individuals affected with LYST-related conditions. ClinVar contains an entry for this variant (Variation ID: 525174). Invitae Evidence Modeling of protein sequence and biophysical properties (such as structural, functional, and spatial information, amino acid conservation, physicochemical variation, residue mobility, and thermodynamic stability) indicates that this missense variant is not expected to disrupt LYST protein function with a negative predictive value of 80%. In summary, the available evidence is currently insufficient to determine the role of this variant in disease. Therefore, it has been classified as a Variant of Uncertain Significance.

Ambry Genetics
Classification: Likely benign for Inborn genetic diseases. Last evaluated: 2022-11-30. Review status: criteria provided, single submitter. Criteria: Ambry Variant Classification Scheme 2023. Collection method: clinical testing. Allele origin: germline.

Revvity Omics, Revvity
Classification: Uncertain significance for Chédiak-Higashi syndrome. Last evaluated: 2019-02-14. Review status: criteria provided, single submitter. Criteria: ACMG Guidelines, 2015. Collection method: clinical testing. Allele origin: germline.